The following is an entry in ClinVar:

NM_001029883.3(PCARE):c.1894A>T (p.Lys632Ter)

Gene: PCARE (photoreceptor cilium actin regulator; minus strand). Cytogenetic location: 2p23.2.
Variant type: single nucleotide variant.
Coding change: c.1894A>T on transcript NM_001029883.3 (MANE Select); coding-DNA position 1894, A replaced by T.
Protein change: p.Lys632Ter; replaces lysine 632 with a stop codon.
Molecular consequence: nonsense.
Genome position (GRCh38, 1-based): chr2:29,072,368, T>A on the plus strand (A>T on the coding strand, the complement: PCARE is on the minus strand). VCF-style: chr2-29072368-T-A. GRCh37 (hg19) VCF-style: chr2-29295234-T-A.
Other names: short protein forms K632*.
Identifiers: ClinVar variation 1065770 (VCV001065770.1), dbSNP rs1238711555, ClinGen allele CA346478687.
Genomic context (GRCh38, chr2:29,072,368, plus strand): 5'-TGGGCCACACGGCGGCTGCTCTGGGCTGCAGAATTTGCTCCTGGCTCTGCCCCTGCCCTT[T>A]GGCACCCAGGGCATAAAATGCCTCCAGCTTCTGACTGAGGTCCCTCTGGACCCTTCGCAG-3'

ClinVar aggregate classification (germline): Likely pathogenic (1 of 4 stars; one submission).

Conditions:
Retinitis pigmentosa 54 (RP54). Identifiers: Orphanet 791, MedGen C3150691, MONDO:0013263, OMIM 613428.

Allele frequency attached by ClinVar (database versions not stated): gnomAD exomes below 0.00001; TOPMed below 0.00001.
gnomAD v4.1: 1 of 1,614,128 alleles (0.000062%); highest among the groups gnomAD compares: Non-Finnish European, 0.000085%; no homozygotes.

Submission:

Ocular Genomics Institute, Massachusetts Eye and Ear
Classification: Likely pathogenic for Retinitis pigmentosa 54. Last evaluated: 2021-04-08. Review status: criteria provided, single submitter. Criteria: ACMG Guidelines, 2015. Collection method: research. Allele origin: germline. Affected: yes.
Comment: Through a review of available evidence we were able to apply the following criteria: PVS1, PM2. Based on this evidence we have classified this variant as Likely Pathogenic.